The following is an entry in ClinVar:

ClinVar aggregate classification (germline): Benign. Review status: criteria provided, multiple submitters, no conflicts (2 of 4 stars). 3 submissions from 3 submitters: Benign (3). Last evaluated 2026-09-21.

Allele frequency attached by ClinVar (database versions not stated): ESP Exome Variant Server 0.26080; ExAC 0.24435; gnomAD 0.27959 and 0.27677; 1000 Genomes Project 30x 0.27608; gnomAD exomes 0.23656 and 0.26100; 1000 Genomes Project 0.27376; TOPMed 0.27676.
gnomAD v4.1: 420,524 of 1,601,430 alleles (26%); highest among the groups gnomAD compares: African/African-American, 35%; 56,967 homozygotes.

Submissions (3):

Molecular Diagnostic Laboratory for Inherited Cardiovascular Disease, Montreal Heart Institute
Classification: Benign. Last evaluated: 2026-09-21. Review status: criteria provided, single submitter. Criteria: ACMG Guidelines, 2015. Collection method: clinical testing. Allele origin: germline. Affected: no.

GeneDx
Classification: Benign. Last evaluated: 2018-06-14. Review status: criteria provided, single submitter. Criteria: GeneDx Variant Classification (06012015). Collection method: clinical testing. Allele origin: germline. Affected: yes.
Comment: This variant is considered likely benign or benign based on one or more of the following criteria: it is a conservative change, it occurs at a poorly conserved position in the protein, it is predicted to be benign by multiple in silico algorithms, and/or has population frequency not consistent with disease.

Breakthrough Genomics
Classification: Benign. Review status: criteria provided, single submitter. Criteria: ACMG Guidelines, 2015. Collection method: not provided. Allele origin: germline. Inheritance: Autosomal dominant inheritance. Affected: yes.

NM_000238.4(KCNH2):c.2145+39G>C

Gene: KCNH2 (potassium voltage-gated channel subfamily H member 2; minus strand). Cytogenetic location: 7q36.1.
Variant type: single nucleotide variant.
Coding change: c.2145+39G>C on transcript NM_000238.4 (MANE Select); 39 bases into the intron after coding-DNA position 2145, G replaced by C.
Molecular consequence: intron variant.
Genome position (GRCh38, 1-based): chr7:150,950,882, C>G on the plus strand (G>C on the coding strand, the complement: KCNH2 is on the minus strand). VCF-style: chr7-150950882-C-G. GRCh37 (hg19) VCF-style: chr7-150647970-C-G.
Other names: c.1857+39G>C (NM_001406753.1, NM_001406756.1); c.1125+39G>C (NM_172057.3, NM_001204798.2); c.2145+39G>C (NM_172056.3, NM_000238.3); c.1968+39G>C (NM_001406755.1); c.1845+39G>C (NM_001406757.1).
Identifiers: ClinVar variation 671017 (VCV000671017.5), dbSNP rs2072412, ClinGen allele CA030931.